The following is an entry in ClinVar:

NM_001204.7(BMPR2):c.158A>G (p.His53Arg)

Gene: BMPR2 (bone morphogenetic protein receptor type 2; plus strand). Cytogenetic location: 2q33.1.
Variant type: single nucleotide variant.
Coding change: c.158A>G on transcript NM_001204.7 (MANE Select); coding-DNA position 158, A replaced by G.
Protein change: p.His53Arg; replaces histidine 53 with arginine.
Molecular consequence: missense variant.
Genome position (GRCh38, 1-based): chr2:202,464,890, A>G. VCF-style: chr2-202464890-A-G. GRCh37 (hg19) VCF-style: chr2-203329613-A-G.
Other names: short protein forms H53R.
Identifiers: ClinVar variation 3992228 (VCV003992228.1).

ClinVar aggregate classification (germline): Uncertain significance (1 of 4 stars; one submission).

Conditions:
Inborn genetic diseases. Identifiers: MedGen C0950123, MeSH D030342.

gnomAD v4.1: 1 of 1,614,182 alleles (0.000062%); highest among the groups gnomAD compares: Non-Finnish European, 0.000085%; no homozygotes.

Submission:

Ambry Genetics
Classification: Uncertain significance for Inborn genetic diseases. Last evaluated: 2025-06-08. Review status: criteria provided, single submitter. Criteria: Ambry Variant Classification Scheme 2023. Collection method: clinical testing. Allele origin: germline.
Comment: The p.H53R variant (also known as c.158A>G), located in coding exon 2 of the BMPR2 gene, results from an A to G substitution at nucleotide position 158. The histidine at codon 53 is replaced by arginine, an amino acid with highly similar properties. This amino acid position is conserved. In addition, the in silico prediction for this alteration is inconclusive. Based on the available evidence, the clinical significance of this variant remains unclear.